The following is an entry in ClinVar:

NM_006767.4(LZTR1):c.1764_1785+8dup

Gene: LZTR1 (leucine zipper like transcription regulator 1; plus strand). Cytogenetic location: 22q11.21.
Variant type: Duplication.
Coding change: c.1764_1785+8dup on transcript NM_006767.4 (MANE Select); coding-DNA position 1764 through 8 bases into the intron after coding-DNA position 1785, 30 bases duplicated (GCTGCAGCTGAGCCAACTCAAGGTGTGGGG).
Molecular consequence: splice donor variant.
Genome position (GRCh38, 1-based): chr22:20,994,706-20,994,735, GCTGCAGCTGAGCCAACTCAAGGTGTGGGG duplicated; duplicating any 30 consecutive bases within chr22:20,994,705-20,994,735 gives the same sequence; the c. name uses the placement nearest the transcript's 3' end. VCF-style (leftmost placement, unchanged base first): chr22-20994704-C-CGGCTGCAGCTGAGCCAACTCAAGGTGTGGG. GRCh37 (hg19) VCF-style: chr22-21348993-C-CGGCTGCAGCTGAGCCAACTCAAGGTGTGGG.
Identifiers: ClinVar variation 917823 (VCV000917823.1), dbSNP rs1924760583, ClinGen allele CA1139666978.
Genomic context (GRCh38, chr22:20,994,704, plus strand): 5'-CAGTACATCGAGGCCTCCGTGGACCTGCAGAACGTGCTGGTTGTGTGCGAGAGTGCCGCC[C>CGGCTGCAGCTGAGCCAACTCAAGGTGTGGG]GGCTGCAGCTGAGCCAACTCAAGGTGTGGGGTGGGGTCAGCGCAATCAGGGTTGGGTGGG-3'

ClinVar aggregate classification (germline): Uncertain significance (1 of 4 stars; one submission).

Submission:

Women's Health and Genetics/Laboratory Corporation of America, LabCorp
Classification: Uncertain significance. Last evaluated: 2020-04-27. Review status: criteria provided, single submitter. Criteria: LabCorp Variant Classification Summary - May 2015. Collection method: clinical testing. Allele origin: germline.
Comment: Variant summary: LZTR1 c.1764_1785+8dup30 is located in a canonical splice-site and is predicted to affect mRNA splicing resulting in a significantly altered protein due to either exon skipping, shortening, or inclusion of intronic material. Several computational tools predict a significant impact on normal splicing: Four predict the variant creates a canonical 5' donor site. However, these predictions have yet to be confirmed by functional studies. The variant was absent in 249380 control chromosomes (gnomAD). The available data on variant occurrences in the general population are insufficient to allow any conclusion about variant significance. To our knowledge, no occurrence of c.1764_1785+8dup30 in individuals affected with Noonan Syndrome And Related Conditions and no experimental evidence demonstrating its impact on protein function have been reported. No clinical diagnostic laboratories have submitted clinical-significance assessments for this variant to ClinVar after 2014. Germline loss of function mutations in LZTR1 have been reported to predispose to an inherited disorder of multiple schwannomas (Piotrowski_2014). Based on the evidence outlined above, the variant was classified as likely pathogenic for the risk of multiple schwannomas and as a variant of uncertain clinical significance for the phenotype NSRD.